The following is an entry in ClinVar:

ClinVar aggregate classification (germline): Uncertain significance (1 of 4 stars; one submission).

Conditions:
MED12L-related disorder. Also called: MED12L-related condition.

Submission:

PreventionGenetics, part of Exact Sciences
Classification: Uncertain significance for MED12L-related condition. Last evaluated: 2026-01-29. Review status: criteria provided, single submitter. Criteria: ACMG Guidelines, 2015. Collection method: clinical testing. Allele origin: germline.
Comment: The MED12L c.4376T>C variant is predicted to result in the amino acid substitution p.Met1459Thr. To our knowledge, this variant has not been reported in the literature or in a large population database (gnomAD), indicating this variant is rare. At this time, the clinical significance of this variant is uncertain due to the absence of conclusive functional and genetic evidence.

NM_001393769.1(MED12L):c.4481T>C (p.Met1494Thr)

Genes: MED12L (mediator complex subunit 12L; plus strand), P2RY12 (purinergic receptor P2Y12; minus strand). Cytogenetic location: 3q25.1.
Variant type: single nucleotide variant.
Coding change: c.4481T>C on transcript NM_001393769.1 (MANE Select); coding-DNA position 4481, T replaced by C.
Protein change: p.Met1494Thr; replaces methionine 1494 with threonine.
Molecular consequence: missense variant. On other transcripts: intron variant (1).
Genome position (GRCh38, 1-based): chr3:151,380,115, T>C. VCF-style: chr3-151380115-T-C. GRCh37 (hg19) VCF-style: chr3-151097903-T-C.
Other names: c.4376T>C, p.Met1459Thr (NM_053002.6); c.-180+4577A>G (NM_022788.5); short protein forms M1459T, M1494T.
Identifiers: ClinVar variation 4996239 (VCV004996239.1).